The following is an entry in ClinVar:

ClinVar aggregate classification (germline): Uncertain significance. Review status: criteria provided, multiple submitters, no conflicts (2 of 4 stars). 2 submissions from 2 submitters: Uncertain significance (2). Last evaluated 2025-08-31.

Conditions:
Hereditary cancer-predisposing syndrome. Also called: Neoplastic Syndromes, Hereditary; Tumor predisposition; Hereditary neoplastic syndrome; Hereditary Cancer Syndrome. Identifiers: Orphanet 140162, MedGen C0027672, MeSH D009386, MONDO:0015356.

Submissions (2):

Ambry Genetics
Classification: Uncertain significance for Hereditary cancer-predisposing syndrome. Last evaluated: 2025-08-31. Review status: criteria provided, single submitter. Criteria: Ambry Variant Classification Scheme 2023. Collection method: clinical testing. Allele origin: germline.
Comment: The p.S1034F variant (also known as c.3101C>T), located in coding exon 26 of the POLE gene, results from a C to T substitution at nucleotide position 3101. The serine at codon 1034 is replaced by phenylalanine, an amino acid with highly dissimilar properties. This amino acid position is conserved. In addition, the in silico prediction for this alteration is inconclusive. Based on the available evidence, the clinical significance of this variant remains unclear.

Labcorp Genetics (formerly Invitae), Labcorp
Classification: Uncertain significance. Last evaluated: 2021-01-10. Review status: criteria provided, single submitter. Criteria: Invitae Variant Classification Sherloc (09022015). Collection method: clinical testing. Allele origin: germline.
Comment: This sequence change replaces serine with phenylalanine at codon 1034 of the POLE protein (p.Ser1034Phe). The serine residue is highly conserved and there is a large physicochemical difference between serine and phenylalanine. In summary, the available evidence is currently insufficient to determine the role of this variant in disease. Therefore, it has been classified as a Variant of Uncertain Significance. Algorithms developed to predict the effect of missense changes on protein structure and function are either unavailable or do not agree on the potential impact of this missense change (SIFT: "Deleterious"; PolyPhen-2: "Probably Damaging"; Align-GVGD: "Class C15"). This variant has not been reported in the literature in individuals with POLE-related conditions. This variant is not present in population databases (ExAC no frequency).

NM_006231.4(POLE):c.3101C>T (p.Ser1034Phe)

Gene: POLE (DNA polymerase epsilon, catalytic subunit; minus strand). Cytogenetic location: 12q24.33.
Variant type: single nucleotide variant.
Coding change: c.3101C>T on transcript NM_006231.4 (MANE Select); coding-DNA position 3101, C replaced by T.
Protein change: p.Ser1034Phe; replaces serine 1034 with phenylalanine.
Molecular consequence: missense variant.
Genome position (GRCh38, 1-based): chr12:132,659,469, G>A on the plus strand (C>T on the coding strand, the complement: POLE is on the minus strand). VCF-style: chr12-132659469-G-A. GRCh37 (hg19) VCF-style: chr12-133236055-G-A.
Other names: c.3101C>T (NM_006231.2); short protein forms S1034F.
Identifiers: ClinVar variation 1363997 (VCV001363997.9), dbSNP rs2138678301, ClinGen allele CA387391707.